The following is an entry in ClinVar:

ClinVar aggregate classification (germline): Likely benign (1 of 4 stars; one submission).

gnomAD v4.1: 18 of 1,614,090 alleles (0.0011%); highest among the groups gnomAD compares: African/African-American, 0.021%; no homozygotes.

Submission:

CeGaT Center for Human Genetics Tuebingen
Classification: Likely benign. Last evaluated: 2026-05-01. Review status: criteria provided, single submitter. Criteria: CeGaT Center For Human Genetics Tuebingen Variant Classification Criteria Version 2. Collection method: clinical testing. Allele origin: germline. Affected: yes. Observed: 1 variant allele.
Comment: VWF: BP4, BP7

NM_000552.5(VWF):c.180C>T (p.Leu60=)

Gene: VWF (von Willebrand factor; minus strand). Cytogenetic location: 12p13.31.
Variant type: single nucleotide variant.
Coding change: c.180C>T on transcript NM_000552.5 (MANE Select); coding-DNA position 180, C replaced by T.
Protein change: p.Leu60=; no amino-acid change (leucine 60 retained).
Molecular consequence: synonymous variant.
Genome position (GRCh38, 1-based): chr12:6,121,214, G>A on the plus strand (C>T on the coding strand, the complement: VWF is on the minus strand). VCF-style: chr12-6121214-G-A. GRCh37 (hg19) VCF-style: chr12-6230380-G-A.
Identifiers: ClinVar variation 4873174 (VCV004873174.2).